The following is an entry in ClinVar:

ClinVar aggregate classification (germline): Uncertain significance (1 of 4 stars; one submission).

gnomAD v4.1: 23 of 1,583,708 alleles (0.0015%); highest among the groups gnomAD compares: Admixed American, 0.0017%; no homozygotes.

Submission:

GeneDx
Classification: Uncertain significance. Last evaluated: 2026-10-02. Review status: criteria provided, single submitter. Criteria: GeneDx Variant Classification Process June 2021. Collection method: clinical testing. Allele origin: germline.
Comment: Canonical splice site variant predicted to result in a null allele in a gene for which loss of function is a known mechanism of disease; Has not been previously published as pathogenic or benign to our knowledge

NM_144666.3(DNHD1):c.13911+1G>T

Gene: DNHD1 (dynein heavy chain domain 1; plus strand). Cytogenetic location: 11p15.4.
Variant type: single nucleotide variant.
Coding change: c.13911+1G>T on transcript NM_144666.3 (MANE Select); the canonical splice donor site of the intron after coding-DNA position 13911, G replaced by T.
Molecular consequence: splice donor variant.
Genome position (GRCh38, 1-based): chr11:6,571,424, G>T. VCF-style: chr11-6571424-G-T. GRCh37 (hg19) VCF-style: chr11-6592654-G-T.
Identifiers: ClinVar variation 3342549 (VCV003342549.2).